The following is an entry in ClinVar:

ClinVar aggregate classification (germline): Uncertain significance (1 of 4 stars; one submission).

Conditions:
Inborn genetic diseases. Identifiers: MedGen C0950123, MeSH D030342.

Submission:

Ambry Genetics
Classification: Uncertain significance for Inborn genetic diseases. Last evaluated: 2022-02-02. Review status: criteria provided, single submitter. Criteria: Ambry Variant Classification Scheme 2023. Collection method: clinical testing. Allele origin: germline.
Comment: The p.A465G variant (also known as c.1394C>G), located in coding exon 6 of the ATR gene, results from a C to G substitution at nucleotide position 1394. The alanine at codon 465 is replaced by glycine, an amino acid with similar properties. This amino acid position is conserved. In addition, this alteration is predicted to be tolerated by in silico analysis. Since supporting evidence is limited at this time, the clinical significance of this alteration remains unclear.

NM_001184.4(ATR):c.1394C>G (p.Ala465Gly)

Gene: ATR (ATR checkpoint kinase; minus strand). Cytogenetic location: 3q23.
Variant type: single nucleotide variant.
Coding change: c.1394C>G on transcript NM_001184.4 (MANE Select); coding-DNA position 1394, C replaced by G.
Protein change: p.Ala465Gly; replaces alanine 465 with glycine.
Molecular consequence: missense variant. On other transcripts: intron variant (1).
Genome position (GRCh38, 1-based): chr3:142,560,410, G>C on the plus strand (C>G on the coding strand, the complement: ATR is on the minus strand). VCF-style: chr3-142560410-G-C. GRCh37 (hg19) VCF-style: chr3-142279252-G-C.
Other names: c.1349+833C>G (NM_001354579.2); short protein forms A465G.
Identifiers: ClinVar variation 1771593 (VCV001771593.2), dbSNP rs749132375, ClinGen allele CA354822989.